The following is an entry in ClinVar:

ClinVar aggregate classification (germline): Uncertain significance (1 of 4 stars; one submission).

Allele frequency attached by ClinVar (database versions not stated): ExAC 0.00001; gnomAD 0.00001; TOPMed 0.00001; gnomAD exomes 0.00002; 1000 Genomes Project 0.00020; 1000 Genomes Project 30x 0.00031.
gnomAD v4.1: 26 of 1,614,120 alleles (0.0016%); highest among the groups gnomAD compares: Non-Finnish European, 0.0019%; no homozygotes.

Submission:

Labcorp Genetics (formerly Invitae), Labcorp
Classification: Uncertain significance. Last evaluated: 2025-11-27. Review status: criteria provided, single submitter. Criteria: Invitae Variant Classification Sherloc (09022015). Collection method: clinical testing. Allele origin: germline.
Comment: This sequence change replaces alanine, which is neutral and non-polar, with serine, which is neutral and polar, at codon 1230 of the LRP5 protein (p.Ala1230Ser). This variant is present in population databases (rs571212778, gnomAD 0.003%). This variant has not been reported in the literature in individuals affected with LRP5-related conditions. ClinVar contains an entry for this variant (Variation ID: 1910021). Invitae Evidence Modeling of protein sequence and biophysical properties (such as structural, functional, and spatial information, amino acid conservation, physicochemical variation, residue mobility, and thermodynamic stability) indicates that this missense variant is not expected to disrupt LRP5 protein function with a negative predictive value of 95%. In summary, the available evidence is currently insufficient to determine the role of this variant in disease. Therefore, it has been classified as a Variant of Uncertain Significance.

NM_002335.4(LRP5):c.3688G>T (p.Ala1230Ser)

Gene: LRP5 (LDL receptor related protein 5; plus strand). Cytogenetic location: 11q13.2.
Variant type: single nucleotide variant.
Coding change: c.3688G>T on transcript NM_002335.4 (MANE Select); coding-DNA position 3688, G replaced by T.
Protein change: p.Ala1230Ser; replaces alanine 1230 with serine.
Molecular consequence: missense variant.
Genome position (GRCh38, 1-based): chr11:68,429,625, G>T. VCF-style: chr11-68429625-G-T. GRCh37 (hg19) VCF-style: chr11-68197093-G-T.
Other names: c.1945G>T, p.Ala649Ser (NM_001291902.2); short protein forms A1230S, A649S.
Identifiers: ClinVar variation 1910021 (VCV001910021.4), dbSNP rs571212778, ClinGen allele CA6150074.